The following is an entry in ClinVar:

NM_000465.4(BARD1):c.769G>T (p.Glu257Ter)

Gene: BARD1 (BRCA1 associated RING domain 1; minus strand). Cytogenetic location: 2q35.
Variant type: single nucleotide variant.
Coding change: c.769G>T on transcript NM_000465.4 (MANE Select); coding-DNA position 769, G replaced by T.
Protein change: p.Glu257Ter; replaces glutamic acid 257 with a stop codon.
Molecular consequence: nonsense. On other transcripts: non-coding transcript variant (2), intron variant (3).
Genome position (GRCh38, 1-based): chr2:214,781,105, C>A on the plus strand (G>T on the coding strand, the complement: BARD1 is on the minus strand). VCF-style: chr2-214781105-C-A. GRCh37 (hg19) VCF-style: chr2-215645829-C-A.
Other names: c.712G>T, p.Glu238Ter (NM_001282543.2); c.158+28307G>T (NM_001282548.2); c.215+15956G>T (NM_001282545.2); c.364+11192G>T (NM_001282549.2); short protein forms E238*, E257*.
Identifiers: ClinVar variation 4867403 (VCV004867403.1).

ClinVar aggregate classification (germline): Pathogenic (1 of 4 stars; one submission).

Conditions:
Hereditary cancer-predisposing syndrome. Also called: Neoplastic Syndromes, Hereditary; Tumor predisposition; Hereditary Cancer Syndrome; Hereditary neoplastic syndrome. Identifiers: Orphanet 140162, MedGen C0027672, MeSH D009386, MONDO:0015356.

Submission:

Ambry Genetics
Classification: Pathogenic for Hereditary cancer-predisposing syndrome. Last evaluated: 2026-05-28. Review status: criteria provided, single submitter. Criteria: Ambry Variant Classification Scheme 2023. Collection method: clinical testing. Allele origin: germline.
Comment: The p.E257* pathogenic mutation (also known as c.769G>T), located in coding exon 4 of the BARD1 gene, results from a G to T substitution at nucleotide position 769. This changes the amino acid from a glutamic acid to a stop codon within coding exon 4. This variant is considered to be rare based on population cohorts in the Genome Aggregation Database (gnomAD). This variant is expected to result in loss of function by premature protein truncation or nonsense-mediated mRNA decay. As such, this variant is interpreted as a disease-causing mutation.